The following is an entry in ClinVar:

NM_032977.4(CASP10):c.1502C>T (p.Pro501Leu)

Gene: CASP10 (caspase 10; plus strand). Cytogenetic location: 2q33.1.
Variant type: single nucleotide variant.
Coding change: c.1502C>T on transcript NM_032977.4 (MANE Select); coding-DNA position 1502, C replaced by T.
Protein change: p.Pro501Leu; replaces proline 501 with leucine.
Molecular consequence: missense variant. On other transcripts: 3 prime UTR variant (1), intron variant (2).
Genome position (GRCh38, 1-based): chr2:201,217,674, C>T. VCF-style: chr2-201217674-C-T. GRCh37 (hg19) VCF-style: chr2-202082397-C-T.
Other names: c.1301C>T, p.Pro434Leu (NM_001206524.2); c.1373C>T, p.Pro458Leu (NM_001230.5); c.*588C>T (NM_032976.4); c.1415+8112C>T (NM_032974.5); c.1286+8112C>T (NM_001206542.2); short protein forms P501L, P458L, P434L.
Identifiers: ClinVar variation 333441 (VCV000333441.22), dbSNP rs148939095, ClinGen allele CA2053282.

ClinVar aggregate classification (germline): Conflicting classifications of pathogenicity. Review status: criteria provided, conflicting classifications (1 of 4 stars). 5 submissions from 5 submitters: Uncertain significance (1); Benign (2); Likely benign (2). Last evaluated 2026-01-22.

Conditions:
Autoimmune lymphoproliferative syndrome type 2A (ALPS2A). Also called: CASP10-Related Autoimmune Lymphoproliferative Syndrome; AUTOIMMUNE LYMPHOPROLIFERATIVE SYNDROME, TYPE IIA; Autoimmune lymphoproliferative syndrome type 2. Identifiers: Orphanet 3261, MedGen C1858968, MONDO:0011383, OMIM 603909.

Allele frequency attached by ClinVar (database versions not stated): 1000 Genomes Project 0.00020; 1000 Genomes Project 30x 0.00031; ESP Exome Variant Server 0.00031; gnomAD exomes 0.00052 and 0.00119; TOPMed 0.00079; ExAC 0.00085; gnomAD 0.00091 and 0.00092.
gnomAD v4.1: 930 of 1,614,084 alleles (0.058%); highest among the groups gnomAD compares: Admixed American, 0.25%; 4 homozygotes.

Submissions (5):

Labcorp Genetics (formerly Invitae), Labcorp
Classification: Benign for Autoimmune lymphoproliferative syndrome type 2A. Last evaluated: 2026-01-22. Review status: criteria provided, single submitter. Criteria: Invitae Variant Classification Sherloc (09022015). Collection method: clinical testing. Allele origin: germline.

Blueprint Genetics
Classification: Likely benign. Last evaluated: 2024-11-25. Review status: criteria provided, single submitter. Criteria: ACMG Guidelines, 2015. Collection method: clinical testing. Allele origin: germline.

Genetic Services Laboratory, University of Chicago
Classification: Benign. Last evaluated: 2021-07-06. Review status: criteria provided, single submitter. Criteria: ACMG Guidelines, 2015. Collection method: clinical testing. Allele origin: germline. Affected: no.

Illumina Laboratory Services, Illumina
Classification: Likely benign for Autoimmune lymphoproliferative syndrome type 2A. Last evaluated: 2017-04-27. Review status: criteria provided, single submitter. Criteria: ICSL Variant Classification Criteria 13 December 2019. Collection method: clinical testing. Allele origin: germline.
Comment: This variant was observed as part of a predisposition screen in an ostensibly healthy population. A literature search was performed for the gene, cDNA change, and amino acid change (where applicable). Publications were found based on this search. The evidence from the literature, in combination with allele frequency data from public databases where available, was sufficient to determine this variant is unlikely to cause disease. Therefore, this variant is classified as likely benign.

GeneDx
Classification: Uncertain significance. Last evaluated: 2016-06-22. Review status: criteria provided, single submitter. Criteria: GeneDx Variant Classification (06012015). Collection method: clinical testing. Allele origin: germline. Affected: yes.
Comment: The P501L variant in the CASP10 gene has been previously reported in an individual with autoimmune lymphoproliferative syndrome who also harbored a splice site variant in the TNFRSF6 gene; this individual's healthy mother also harbored the P501L variant (Cerutti et al., 2007). In vitro studies demonstrated that this variant resulted in reduced caspase-10 activity, but did not exert a dominant negative activity on wild type protein (Cerutti et al., 2007). The P501L variant was not observed at any significant frequency in approximately 6500 individuals of European and African American ancestry in the NHLBI Exome Sequencing Project, indicating it is not a common benign variant in these populations. This variant is a semi-conservative amino acid substitution, which may impact secondary protein structure as these residues differ in some properties, but occurs at a position that is not conserved. In silico analysis predicts this variant is probably damaging to the protein structure/function. We interpret P501L as a variant of uncertain significance.

Literature cited by the submitters: PubMed 17999750 (cited by Illumina Laboratory Services, Illumina).